The following is an entry in ClinVar:

ClinVar aggregate classification (germline): Uncertain significance (1 of 4 stars; one submission).

Submission:

Dasa
Classification: Uncertain significance. Last evaluated: 2025-09-21. Review status: criteria provided, single submitter. Criteria: DASA Assertion Criteria. Collection method: clinical testing. Allele origin: germline.
Comment: NM_015898.4(ZBTB7A):c.418G>A (p.Ala140Thr) is a missense variant that results in the substitution of alanine with threonine. This variant is rare in population databases. Computational prediction algorithms are consistent with a benign effect. The currently available literature and clinical evidence are not sufficient to establish a definitive association between this variant and the reported condition. Therefore, this variant is classified as a variant of uncertain significance.

NM_015898.4(ZBTB7A):c.418G>A (p.Ala140Thr)

Gene: ZBTB7A (zinc finger and BTB domain containing 7A; minus strand). Cytogenetic location: 19p13.3.
Variant type: single nucleotide variant.
Coding change: c.418G>A on transcript NM_015898.4 (MANE Select); coding-DNA position 418, G replaced by A.
Protein change: p.Ala140Thr; replaces alanine 140 with threonine.
Molecular consequence: missense variant.
Genome position (GRCh38, 1-based): chr19:4,054,815, C>T on the plus strand (G>A on the coding strand, the complement: ZBTB7A is on the minus strand). VCF-style: chr19-4054815-C-T. GRCh37 (hg19) VCF-style: chr19-4054813-C-T.
Other names: c.418G>A, p.Ala140Thr (NM_001317990.2); short protein forms A140T.
Identifiers: ClinVar variation 5020855 (VCV005020855.1).